The following is an entry in ClinVar:

NM_002693.3(POLG):c.3085C>G (p.Gln1029Glu)

Gene: POLG (DNA polymerase gamma, catalytic subunit; minus strand). Cytogenetic location: 15q26.1.
Variant type: single nucleotide variant.
Coding change: c.3085C>G on transcript NM_002693.3 (MANE Select); coding-DNA position 3085, C replaced by G.
Protein change: p.Gln1029Glu; replaces glutamine 1029 with glutamic acid.
Molecular consequence: missense variant.
Genome position (GRCh38, 1-based): chr15:89,319,247, G>C on the plus strand (C>G on the coding strand, the complement: POLG is on the minus strand). VCF-style: chr15-89319247-G-C. GRCh37 (hg19) VCF-style: chr15-89862478-G-C.
Other names: c.3085C>G, p.Gln1029Glu (NM_001126131.2); short protein forms Q1029E.
Identifiers: ClinVar variation 2786214 (VCV002786214.3), dbSNP rs2509210007, ClinGen allele CA393751287.

ClinVar aggregate classification (germline): Uncertain significance (1 of 4 stars; one submission).

Conditions:
Progressive sclerosing poliodystrophy (MTDPS4A). Also called: ALPERS PROGRESSIVE INFANTILE POLIODYSTROPHY; NEURONAL DEGENERATION OF CHILDHOOD WITH LIVER DISEASE, PROGRESSIVE; Alpers Syndrome; ALPERS DIFFUSE DEGENERATION OF CEREBRAL GRAY MATTER WITH HEPATIC CIRRHOSIS; Alpers-Huttenlocher Syndrome; Mitochondrial DNA Depletion Syndrome 4A. Identifiers: Orphanet 726, MedGen C0205710, MONDO:0008758, OMIM 203700.

Allele frequency attached by ClinVar (database versions not stated): gnomAD exomes below 0.00001.

Submission:

Labcorp Genetics (formerly Invitae), Labcorp
Classification: Uncertain significance for Progressive sclerosing poliodystrophy. Last evaluated: 2024-01-21. Review status: criteria provided, single submitter. Criteria: Invitae Variant Classification Sherloc (09022015). Collection method: clinical testing. Allele origin: germline.
Comment: This sequence change replaces glutamine, which is neutral and polar, with glutamic acid, which is acidic and polar, at codon 1029 of the POLG protein (p.Gln1029Glu). This variant is not present in population databases (gnomAD no frequency). This variant has not been reported in the literature in individuals affected with POLG-related conditions. Advanced modeling of protein sequence and biophysical properties (such as structural, functional, and spatial information, amino acid conservation, physicochemical variation, residue mobility, and thermodynamic stability) performed at Invitae indicates that this missense variant is not expected to disrupt POLG protein function with a negative predictive value of 95%. In summary, the available evidence is currently insufficient to determine the role of this variant in disease. Therefore, it has been classified as a Variant of Uncertain Significance.